The following is an entry in ClinVar:

NM_005026.5(PIK3CD):c.104_105del (p.Pro35fs)

Gene: PIK3CD (phosphatidylinositol-4,5-bisphosphate 3-kinase catalytic subunit delta; plus strand). Cytogenetic location: 1p36.22.
Variant type: Deletion.
Coding change: c.104_105del on transcript NM_005026.5 (MANE Select); coding-DNA positions 104 to 105, 2 bases deleted (CT; older notation c.104_105delCT).
Protein change: p.Pro35fs; shifts the reading frame from proline 35.
Molecular consequence: frameshift variant.
Genome position (GRCh38, 1-based): chr1:9,710,559-9,710,560, CT deleted. VCF-style (leftmost placement, unchanged base first): chr1-9710558-CCT-C. GRCh37 (hg19) VCF-style: chr1-9770616-CCT-C.
Other names: c.104_105del, p.Pro35fs (NM_001350234.2, NM_001350235.1); short protein forms P35fs.
Identifiers: ClinVar variation 2849187 (VCV002849187.3), dbSNP rs1298704258, ClinGen allele CA521120042.

ClinVar aggregate classification (germline): Pathogenic (1 of 4 stars; one submission).

Conditions:
Immunodeficiency 14 (IMD14A). Also called: ACTIVATED PI3K-DELTA SYNDROME 1; p110-DELTA-ACTIVATING MUTATION CAUSING SENESCENT T CELLS, LYMPHADENOPATHY, AND IMMUNODEFICIENCY; Activated PI3K Delta Syndrome Type 1 (APDS1); IMMUNODEFICIENCY 14A WITH LYMPHOPROLIFERATION, AUTOSOMAL DOMINANT. Identifiers: Orphanet 397596, Orphanet 693661, MedGen C5907821, MONDO:0014222, OMIM 615513.

Allele frequency attached by ClinVar (database versions not stated): gnomAD exomes below 0.00001.

Submission:

Labcorp Genetics (formerly Invitae), Labcorp
Classification: Pathogenic for Activated PI3K-delta syndrome. Last evaluated: 2025-07-07. Review status: criteria provided, single submitter. Criteria: Invitae Variant Classification Sherloc (09022015). Collection method: clinical testing. Allele origin: germline.
Comment: This sequence change creates a premature translational stop signal (p.Pro35Argfs*21) in the PIK3CD gene. It is expected to result in an absent or disrupted protein product. Loss-of-function variants in PIK3CD are known to be pathogenic (PMID: 30040974, 31073077). This variant is present in population databases (no rsID available, gnomAD no frequency). This variant has not been reported in the literature in individuals affected with PIK3CD-related conditions. ClinVar contains an entry for this variant (Variation ID: 2849187). For these reasons, this variant has been classified as Pathogenic.

Literature cited by the submitters: PubMed 30040974; PubMed 31073077.